The following is an entry in ClinVar:

NM_003052.5(SLC34A1):c.1597A>G (p.Ile533Val)

Gene: SLC34A1 (solute carrier family 34 member 1; plus strand). Cytogenetic location: 5q35.3.
Variant type: single nucleotide variant.
Coding change: c.1597A>G on transcript NM_003052.5 (MANE Select); coding-DNA position 1597, A replaced by G.
Protein change: p.Ile533Val; replaces isoleucine 533 with valine.
Molecular consequence: missense variant.
Genome position (GRCh38, 1-based): chr5:177,397,963, A>G. VCF-style: chr5-177397963-A-G. GRCh37 (hg19) VCF-style: chr5-176824964-A-G.
Other names: short protein forms I533V.
Identifiers: ClinVar variation 3444012 (VCV003444012.2).

ClinVar aggregate classification (germline): Uncertain significance. Review status: criteria provided, multiple submitters, no conflicts (2 of 4 stars). 2 submissions from 2 submitters: Uncertain significance (2). Last evaluated 2026-08-06.

Conditions:
Hypercalcemia, infantile, 2 (HCINF2). Identifiers: Orphanet 300547, MedGen C4310473, MONDO:0014851, OMIM 616963.
Inborn genetic diseases. Identifiers: MedGen C0950123, MeSH D030342.

Submissions (2):

OLLIN Analises Genomicas, OLLIN
Classification: Uncertain significance for Hypercalcemia, infantile, 2. Last evaluated: 2026-08-06. Review status: criteria provided, single submitter. Criteria: ACMG Guidelines 2015 PMID 25741868. Collection method: clinical testing. Allele origin: germline.
Comment: This missense variant, located in exon 13 (of 13), has been reported in ClinVar (accession VCV003444012.1) and in gnomAD with an allele frequency of 0.0005%. However, to our knowledge, it has not been reported in the scientific literature. In silico analysis predicts that this variant has a tolerated effect. According to the currently available evidence, this variant has been classified as uncertain significance (PM2_P, BP4_M).

Ambry Genetics
Classification: Uncertain significance for Inborn genetic diseases. Last evaluated: 2024-12-09. Review status: criteria provided, single submitter. Criteria: Ambry Variant Classification Scheme 2023. Collection method: clinical testing. Allele origin: germline.